The following is an entry in ClinVar:

ClinVar aggregate classification (germline): Uncertain significance (1 of 4 stars; one submission).

Conditions:
Cardiovascular phenotype. Identifiers: MedGen CN230736.

gnomAD v4.1: 5 of 1,614,176 alleles (0.00031%); highest among the groups gnomAD compares: Non-Finnish European, 0.00042%; no homozygotes.

Submission:

Ambry Genetics
Classification: Uncertain significance for Cardiovascular phenotype. Last evaluated: 2026-07-24. Review status: criteria provided, single submitter. Criteria: Ambry Variant Classification Scheme 2023. Collection method: clinical testing. Allele origin: germline.
Comment: The p.A264T variant (also known as c.790G>A), located in coding exon 3 of the PKP2 gene, results from a G to A substitution at nucleotide position 790. The alanine at codon 264 is replaced by threonine, an amino acid with similar properties. This amino acid position is conserved. In addition, this alteration is predicted to be tolerated by in silico analysis. Based on the available evidence, the clinical significance of this variant remains unclear.

NM_001005242.3(PKP2):c.790G>A (p.Ala264Thr)

Gene: PKP2 (plakophilin 2; minus strand). Cytogenetic location: 12p11.21.
Variant type: single nucleotide variant.
Coding change: c.790G>A on transcript NM_001005242.3 (MANE Select); coding-DNA position 790, G replaced by A.
Protein change: p.Ala264Thr; replaces alanine 264 with threonine.
Molecular consequence: missense variant.
Genome position (GRCh38, 1-based): chr12:32,878,090, C>T on the plus strand (G>A on the coding strand, the complement: PKP2 is on the minus strand). VCF-style: chr12-32878090-C-T. GRCh37 (hg19) VCF-style: chr12-33031024-C-T.
Other names: c.790G>A, p.Ala264Thr (NM_001407155.1, NM_001407156.1, NM_001407157.1 and 2 more transcripts); c.463G>A, p.Ala155Thr (NM_001407158.1, NM_001407159.1, NM_001407160.1 and 1 more transcripts); short protein forms A264T, A155T.
Identifiers: ClinVar variation 5026784 (VCV005026784.1).